The following is an entry in ClinVar:

ClinVar aggregate classification (germline): Conflicting classifications of pathogenicity. Review status: criteria provided, conflicting classifications (1 of 4 stars). 4 submissions from 4 submitters: Uncertain significance (1); Likely benign (2). 1 of the submissions does not count toward it. Last evaluated 2025-12-03.

Conditions:
ZCCHC8-related disorder. Also called: ZCCHC8-related condition.

Allele frequency attached by ClinVar (database versions not stated): TOPMed 0.00145; 1000 Genomes Project 0.00160; gnomAD exomes 0.00011 and 0.00038; ExAC 0.00042; ESP Exome Variant Server 0.00124; gnomAD 0.00133 and 0.00144; 1000 Genomes Project 30x 0.00141.

Submissions (4):

Labcorp Genetics (formerly Invitae), Labcorp
Classification: Likely benign. Last evaluated: 2025-12-03. Review status: criteria provided, single submitter. Criteria: Invitae Variant Classification Sherloc (09022015). Collection method: clinical testing. Allele origin: germline.

Ambry Genetics
Classification: Uncertain significance. Last evaluated: 2025-08-10. Review status: criteria provided, single submitter. Criteria: Ambry Variant Classification Scheme 2023. Collection method: clinical testing. Allele origin: germline.

Breakthrough Genomics
Classification: Likely benign. Review status: criteria provided, single submitter. Criteria: ACMG Guidelines, 2015. Collection method: not provided. Allele origin: germline. Inheritance: Autosomal dominant inheritance. Affected: yes.

PreventionGenetics, part of Exact Sciences
Classification: Likely benign for ZCCHC8-related condition. Last evaluated: 2023-07-11. Review status: no assertion criteria provided. Collection method: clinical testing. Allele origin: germline. Not counted in ClinVar's aggregate classification.
Comment: This variant is classified as likely benign based on ACMG/AMP sequence variant interpretation guidelines (Richards et al. 2015 PMID: 25741868, with internal and published modifications).

NM_017612.5(ZCCHC8):c.1777G>T (p.Ala593Ser)

Gene: ZCCHC8 (zinc finger CCHC-type containing 8; minus strand). Cytogenetic location: 12q24.31.
Variant type: single nucleotide variant.
Coding change: c.1777G>T on transcript NM_017612.5 (MANE Select); coding-DNA position 1777, G replaced by T.
Protein change: p.Ala593Ser; replaces alanine 593 with serine.
Molecular consequence: missense variant.
Genome position (GRCh38, 1-based): chr12:122,473,844, C>A on the plus strand (G>T on the coding strand, the complement: ZCCHC8 is on the minus strand). VCF-style: chr12-122473844-C-A. GRCh37 (hg19) VCF-style: chr12-122958391-C-A.
Other names: c.1777G>T (NM_017612.4, NM_017612.3); c.1546G>T, p.Ala516Ser (NM_001350935.2); c.1480G>T, p.Ala494Ser (NM_001350936.2); c.1063G>T, p.Ala355Ser (NM_001350937.2, NM_001350938.2); short protein forms A355S, A494S, A516S, A593S.
Identifiers: ClinVar variation 1103948 (VCV001103948.13), dbSNP rs181255243, ClinGen allele CA6846094.